The following is an entry in ClinVar:

NM_019066.5(MAGEL2):c.570T>G (p.Ala190=)

Gene: MAGEL2 (MAGE family member L2; minus strand). Cytogenetic location: 15q11.2.
Variant type: single nucleotide variant.
Coding change: c.570T>G on transcript NM_019066.5 (MANE Select); coding-DNA position 570, T replaced by G.
Protein change: p.Ala190=; no amino-acid change (alanine 190 retained).
Molecular consequence: synonymous variant.
Genome position (GRCh38, 1-based): chr15:23,647,173, A>C on the plus strand (T>G on the coding strand, the complement: MAGEL2 is on the minus strand). VCF-style: chr15-23647173-A-C. GRCh37 (hg19) VCF-style: chr15-23892320-A-C.
Identifiers: ClinVar variation 3770997 (VCV003770997.13).
Genomic context (GRCh38, chr15:23,647,173, plus strand): 5'-AGCCATCGGTGTCCCCGGAGGGGGAGGATGAGCCATCGGTGTCCCCGGAGGGGGAGGATG[A>C]GCCATCGGGGTCCCCGGAGGAGGAGGATGCACCATCGGGGTCCCCGGAGGAGGAGGATGG-3'
Protein context (NP_061939.3, residues 180-200): VHPPPPGTPM[Ala190=]HPPPPGTPMA

ClinVar aggregate classification (germline): Likely benign (1 of 4 stars; one submission).

Submission:

CeGaT Center for Human Genetics Tuebingen
Classification: Likely benign. Last evaluated: 2025-02-01. Review status: criteria provided, single submitter. Criteria: CeGaT Center For Human Genetics Tuebingen Variant Classification Criteria Version 2. Collection method: clinical testing. Allele origin: germline. Affected: yes. Observed: 1 variant allele.
Comment: MAGEL2: BP4, BP7